The following is an entry in ClinVar:

ClinVar aggregate classification (germline): Uncertain significance (1 of 4 stars; one submission).

Conditions:
BBS12-related disorder. Also called: BBS12-related condition.

gnomAD v4.1: 2 of 1,614,184 alleles (0.00012%); highest among the groups gnomAD compares: South Asian, 0.0022%; no homozygotes.

Submission:

PreventionGenetics, part of Exact Sciences
Classification: Uncertain significance for BBS12-related condition. Last evaluated: 2026-04-14. Review status: criteria provided, single submitter. Criteria: ACMG Guidelines, 2015. Collection method: clinical testing. Allele origin: germline.
Comment: The BBS12 c.206T>G variant is predicted to result in the amino acid substitution p.Leu69Arg. To our knowledge, this variant has not been reported in the literature. This variant is reported in 0.0033% of alleles in individuals of South Asian descent in gnomAD. At this time, the clinical significance of this variant is uncertain due to the absence of conclusive functional and genetic evidence.

NM_152618.3(BBS12):c.206T>G (p.Leu69Arg)

Gene: BBS12 (Bardet-Biedl syndrome 12; plus strand). Cytogenetic location: 4q27.
Variant type: single nucleotide variant.
Coding change: c.206T>G on transcript NM_152618.3 (MANE Select); coding-DNA position 206, T replaced by G.
Protein change: p.Leu69Arg; replaces leucine 69 with arginine.
Molecular consequence: missense variant.
Genome position (GRCh38, 1-based): chr4:122,742,098, T>G. VCF-style: chr4-122742098-T-G. GRCh37 (hg19) VCF-style: chr4-123663253-T-G.
Other names: c.206T>G, p.Leu69Arg (NM_001178007.2); short protein forms L69R.
Identifiers: ClinVar variation 4996301 (VCV004996301.1).
Genomic context (GRCh38, chr4:122,742,098, plus strand): 5'-TAATCAGTTCAACAGTAAGGCTTCTTGAAAGTTTGGATTTAACCAGTGCAGTGGGACAAC[T>G]TCTCAATGAAGCAGTTCAAGCACAAAACAACACATATAGAACTGGAATCAGTACTCTTTT-3'
Protein context (NP_689831.2, residues 59-79): SLDLTSAVGQ[Leu69Arg]LNEAVQAQNN